The following is an entry in ClinVar:

ClinVar aggregate classification (germline): Pathogenic (1 of 4 stars; one submission).

Conditions:
Neonatal-onset encephalopathy with rigidity and seizures. Also called: Lethal neonatal spasticity-epileptic encephalopathy syndrome. Identifiers: Orphanet 435845, MedGen C3281029, MONDO:0013784, OMIM 614498.

Submission:

Labcorp Genetics (formerly Invitae), Labcorp
Classification: Pathogenic for Neonatal-onset encephalopathy with rigidity and seizures. Last evaluated: 2022-08-16. Review status: criteria provided, single submitter. Criteria: Invitae Variant Classification Sherloc (09022015). Collection method: clinical testing. Allele origin: germline.
Comment: This variant is not present in population databases (gnomAD no frequency). This sequence change creates a premature translational stop signal (p.Pro608Hisfs*85) in the BRAT1 gene. While this is not anticipated to result in nonsense mediated decay, it is expected to disrupt the last 214 amino acid(s) of the BRAT1 protein. This variant has not been reported in the literature in individuals affected with BRAT1-related conditions. ClinVar contains an entry for this variant (Variation ID: 1074999). For these reasons, this variant has been classified as Pathogenic. This variant disrupts a region of the BRAT1 protein in which other variant(s) (p.Phe709Thrfs*17) have been determined to be pathogenic (PMID: 27480663; Invitae). This suggests that this is a clinically significant region of the protein, and that variants that disrupt it are likely to be disease-causing.

Literature cited by the submitters: PubMed 27480663.

NM_152743.4(BRAT1):c.1823del (p.Pro608fs)

Gene: BRAT1 (BRCA1 associated ATM activator 1; minus strand). Cytogenetic location: 7p22.3.
Variant type: Deletion.
Coding change: c.1823del on transcript NM_152743.4 (MANE Select); coding-DNA position 1823, one base deleted (C; older notation c.1823delC).
Protein change: p.Pro608fs; shifts the reading frame from proline 608.
Molecular consequence: frameshift variant. On other transcripts: non-coding transcript variant (1).
Genome position (GRCh38, 1-based): chr7:2,538,712, G deleted on the plus strand (C on the coding strand, the reverse complement: BRAT1 is on the minus strand); the first of 3 consecutive G bases (chr7:2,538,712-2,538,714); deleting any one gives the same sequence. VCF-style (leftmost placement, unchanged base first): chr7-2538711-TG-T. GRCh37 (hg19) VCF-style: chr7-2578345-TG-T.
Other names: c.2003del, p.Pro668fs (NM_001350626.2); c.1298del, p.Pro433fs (NM_001350627.2); short protein forms P433fs, P608fs, P668fs.
Identifiers: ClinVar variation 1074999 (VCV001074999.10), dbSNP rs1778893542, ClinGen allele CA1683198641.